The following is an entry in ClinVar:

ClinVar aggregate classification (germline): Pathogenic (1 of 4 stars; one submission).

Conditions:
Very long chain acyl-CoA dehydrogenase deficiency (ACADVLD). Also called: VLCAD Deficiency; Very Long-Chain Acyl-Coenzyme A Dehydrogenase Deficiency. Identifiers: Orphanet 26793, MedGen C3887523, MONDO:0008723, OMIM 201475.

Submission:

Myriad Genetics, Inc.
Classification: Pathogenic for Very long chain acyl-CoA dehydrogenase deficiency. Last evaluated: 2025-02-09. Review status: criteria provided, single submitter. Criteria: Myriad Autosomal Dominant, Autosomal Recessive and X-Linked Classification Criteria (2023). Collection method: clinical testing. Allele origin: unknown.
Comment: NM_000018.3(ACADVL):c.882delG(P296Lfs*57) is expected to be pathogenic in the context of very-long-chain acyl-CoA dehydrogenase deficiency. This variant is predicted to lead to an abnormal or absent protein product due to the creation of a premature termination codon in ACADVL, a gene where loss-of-function variants are known to be pathogenic. Please note: this variant was assessed in the context of healthy population screening.

NM_000018.4(ACADVL):c.882del (p.Pro296fs)

Gene: ACADVL (acyl-CoA dehydrogenase very long chain; plus strand). Cytogenetic location: 17p13.1.
Variant type: Deletion.
Coding change: c.882del on transcript NM_000018.4 (MANE Select); coding-DNA position 882, one base deleted (G; older notation c.882delG).
Protein change: p.Pro296fs; shifts the reading frame from proline 296.
Molecular consequence: frameshift variant.
Genome position (GRCh38, 1-based): chr17:7,222,670, G deleted; the last of 3 consecutive G bases (chr17:7,222,668-7,222,670); deleting any one gives the same sequence. VCF-style (leftmost placement, unchanged base first): chr17-7222667-TG-T. GRCh37 (hg19) VCF-style: chr17-7125986-TG-T.
Other names: c.816del, p.Pro274fs (NM_001033859.3); c.951del, p.Pro319fs (NM_001270447.2); c.654del, p.Pro220fs (NM_001270448.2); short protein forms P220fs, P274fs, P296fs, P319fs.
Identifiers: ClinVar variation 5014073 (VCV005014073.1).
Genomic context (GRCh38, chr17:7,222,667, plus strand): 5'-TTTTCCCCCAGTGACAACCTGTTGAACACACCTCTGCTTTCCCACACTGCCCTGACACAG[TG>T]GGCCCCCTGAGAAGAAGATGGGCATCAAGGCTTCAAACACAGCAGAGGTGTTCTTTGATG-3'